The following is an entry in ClinVar:

ClinVar aggregate classification (germline): Uncertain significance (1 of 4 stars; one submission).

Conditions:
Cardiovascular phenotype. Identifiers: MedGen CN230736.

Allele frequency attached by ClinVar (database versions not stated): gnomAD exomes below 0.00001; TOPMed below 0.00001.
gnomAD v4.1: 6 of 1,614,036 alleles (0.00037%); highest among the groups gnomAD compares: Non-Finnish European, 0.00051%; no homozygotes.

Submission:

Ambry Genetics
Classification: Uncertain significance for Cardiovascular phenotype. Last evaluated: 2023-11-30. Review status: criteria provided, single submitter. Criteria: Ambry Variant Classification Scheme 2023. Collection method: clinical testing. Allele origin: germline.
Comment: The p.E2810A variant (also known as c.8429A>C), located in coding exon 38 of the ANK2 gene, results from an A to C substitution at nucleotide position 8429. The glutamic acid at codon 2810 is replaced by alanine, an amino acid with dissimilar properties. This amino acid position is conserved. In addition, this alteration is predicted to be tolerated by in silico analysis. Since supporting evidence is limited at this time, the clinical significance of this alteration remains unclear.

NM_001148.6(ANK2):c.8429A>C (p.Glu2810Ala)

Gene: ANK2 (ankyrin 2; plus strand). Cytogenetic location: 4q26.
Variant type: single nucleotide variant.
Coding change: c.8429A>C on transcript NM_001148.6 (MANE Select); coding-DNA position 8429, A replaced by C.
Protein change: p.Glu2810Ala; replaces glutamic acid 2810 with alanine.
Molecular consequence: missense variant. On other transcripts: intron variant (68).
Genome position (GRCh38, 1-based): chr4:113,357,047, A>C. VCF-style: chr4-113357047-A-C. GRCh37 (hg19) VCF-style: chr4-114278203-A-C.
Other names: c.8195A>C, p.Glu2732Ala (NM_001386142.1); c.4829A>C, p.Glu1610Ala (NM_001386166.1); c.8570A>C, p.Glu2857Ala (NM_001386174.1); c.8546A>C, p.Glu2849Ala (NM_001386175.1); c.4412-3776A>C (NM_001386186.2, NM_001386148.2); c.4214-3776A>C (NM_001354269.3); c.4292-3776A>C (NM_001386187.2); c.4253-3776A>C (NM_001386147.1); and 35 more; short protein forms E1610A, E2732A, E2810A, E2849A, E2857A.
Identifiers: ClinVar variation 3221012 (VCV003221012.1), dbSNP rs2095832484, ClinGen allele CA357934034.